The following is an entry in ClinVar:

ClinVar aggregate classification (germline): Uncertain significance (1 of 4 stars; one submission).

Conditions:
Rubinstein-Taybi syndrome due to EP300 haploinsufficiency. Also called: EP300-Related Rubinstein-Taybi Syndrome; RUBINSTEIN-TAYBI SYNDROME 2. Identifiers: Orphanet 353284, Orphanet 783, MedGen C3150941, MONDO:0013364, OMIM 613684.

Submission:

Labcorp Genetics (formerly Invitae), Labcorp
Classification: Uncertain significance for Rubinstein-Taybi syndrome due to EP300 haploinsufficiency. Last evaluated: 2023-07-16. Review status: criteria provided, single submitter. Criteria: Invitae Variant Classification Sherloc (09022015). Collection method: clinical testing. Allele origin: germline.
Comment: In summary, the available evidence is currently insufficient to determine the role of this variant in disease. Therefore, it has been classified as a Variant of Uncertain Significance. This variant disrupts the p.Gln1824 amino acid residue in EP300. Other variant(s) that disrupt this residue have been determined to be pathogenic (PMID: 27465822, 29460469). This suggests that this residue is clinically significant, and that variants that disrupt this residue are likely to be disease-causing. This sequence change replaces glutamine, which is neutral and polar, with histidine, which is basic and polar, at codon 1824 of the EP300 protein (p.Gln1824His). This variant is not present in population databases (gnomAD no frequency). This variant has not been reported in the literature in individuals affected with EP300-related conditions. Advanced modeling of protein sequence and biophysical properties (such as structural, functional, and spatial information, amino acid conservation, physicochemical variation, residue mobility, and thermodynamic stability) performed at Invitae indicates that this missense variant is not expected to disrupt EP300 protein function.

Literature cited by the submitters: PubMed 27465822; PubMed 29460469.

NM_001429.4(EP300):c.5472G>C (p.Gln1824His)

Gene: EP300 (EP300 lysine acetyltransferase; plus strand). Cytogenetic location: 22q13.2.
Variant type: single nucleotide variant.
Coding change: c.5472G>C on transcript NM_001429.4 (MANE Select); coding-DNA position 5472, G replaced by C.
Protein change: p.Gln1824His; replaces glutamine 1824 with histidine.
Molecular consequence: missense variant.
Genome position (GRCh38, 1-based): chr22:41,177,183, G>C. VCF-style: chr22-41177183-G-C. GRCh37 (hg19) VCF-style: chr22-41573187-G-C.
Other names: c.5394G>C, p.Gln1798His (NM_001362843.2); short protein forms Q1824H, Q1798H.
Identifiers: ClinVar variation 2743853 (VCV002743853.3), dbSNP rs2145516016, ClinGen allele CA411709052.